The following is an entry in ClinVar:

NM_001035.3(RYR2):c.9993T>C (p.Ala3331=)

Gene: RYR2 (ryanodine receptor 2; plus strand). Cytogenetic location: 1q43.
Variant type: single nucleotide variant.
Coding change: c.9993T>C on transcript NM_001035.3 (MANE Select); coding-DNA position 9993, T replaced by C.
Protein change: p.Ala3331=; no amino-acid change (alanine 3331 retained).
Molecular consequence: synonymous variant.
Genome position (GRCh38, 1-based): chr1:237,708,949, T>C. VCF-style: chr1-237708949-T-C. GRCh37 (hg19) VCF-style: chr1-237872249-T-C.
Other names: c.9993T>C (NM_001035.2).
Identifiers: ClinVar variation 1594700 (VCV001594700.11), dbSNP rs369150213, ClinGen allele CA087991.

ClinVar aggregate classification (germline): Likely benign. Review status: criteria provided, multiple submitters, no conflicts (2 of 4 stars). 3 submissions from 3 submitters: Likely benign (3). Last evaluated 2025-04-28.

Conditions:
Catecholaminergic polymorphic ventricular tachycardia 1. Also called: VENTRICULAR TACHYCARDIA, STRESS-INDUCED POLYMORPHIC 1; VENTRICULAR TACHYCARDIA, CATECHOLAMINERGIC POLYMORPHIC, 1, WITH OR WITHOUT ATRIAL DYSFUNCTION AND/OR DILATED CARDIOMYOPATHY; RYR2-Related Catecholaminergic Polymorphic Ventricular Tachycardia. Identifiers: Orphanet 3286, MedGen C1631597, MONDO:0011484, OMIM 604772.
Cardiovascular phenotype. Identifiers: MedGen CN230736.
Catecholaminergic polymorphic ventricular tachycardia (CVPT). Also called: Catecholamine-induced polymorphic ventricular tachycardia. Identifiers: Orphanet 3286, MedGen C5574922, MONDO:0017990.

Allele frequency attached by ClinVar (database versions not stated): gnomAD exomes below 0.00001; ExAC 0.00001; gnomAD 0.00001; TOPMed 0.00001; ESP Exome Variant Server 0.00008.
gnomAD v4.1: 3 of 1,613,514 alleles (0.00019%); highest among the groups gnomAD compares: African/African-American, 0.004%; no homozygotes.

Submissions (3):

Labcorp Genetics (formerly Invitae), Labcorp
Classification: Likely benign for Catecholaminergic polymorphic ventricular tachycardia 1. Last evaluated: 2025-04-28. Review status: criteria provided, single submitter. Criteria: Invitae Variant Classification Sherloc (09022015). Collection method: clinical testing. Allele origin: germline.

Ambry Genetics
Classification: Likely benign for Cardiovascular phenotype. Last evaluated: 2023-12-12. Review status: criteria provided, single submitter. Criteria: Ambry Variant Classification Scheme 2023. Collection method: clinical testing. Allele origin: germline.

All of Us Research Program, National Institutes of Health
Classification: Likely benign for Catecholaminergic polymorphic ventricular tachycardia. Last evaluated: 2023-04-28. Review status: criteria provided, single submitter. Criteria: ACMG Guidelines, 2015. Collection method: clinical testing. Allele origin: germline. Inheritance: Autosomal dominant inheritance. Observed: 1 variant allele, 1 heterozygote.
Comment: This study involves interpretation of variants in research participants for the purpose of population health screening. Participant phenotype was not available at the time of variant classification. Additional details can be found in publication PMID: 35346344, PMCID: PMC8962531